The following is an entry in ClinVar:

NM_001082486.2(ACD):c.430G>A (p.Val144Ile)

Gene: ACD (ACD shelterin complex subunit and telomerase recruitment factor; minus strand). Cytogenetic location: 16q22.1.
Variant type: single nucleotide variant.
Coding change: c.430G>A on transcript NM_001082486.2 (MANE Select); coding-DNA position 430, G replaced by A.
Protein change: p.Val144Ile; replaces valine 144 with isoleucine.
Molecular consequence: missense variant.
Genome position (GRCh38, 1-based): chr16:67,659,403, C>T on the plus strand (G>A on the coding strand, the complement: ACD is on the minus strand). VCF-style: chr16-67659403-C-T. GRCh37 (hg19) VCF-style: chr16-67693306-C-T.
Other names: c.430G>A, p.Val144Ile (NM_001410884.1); c.421G>A, p.Val141Ile (NM_022914.3); short protein forms V141I, V144I.
Identifiers: ClinVar variation 1755992 (VCV001755992.5), dbSNP rs1380577187, ClinGen allele CA396354907.

ClinVar aggregate classification (germline): Uncertain significance. Review status: criteria provided, multiple submitters, no conflicts (2 of 4 stars). 2 submissions from 2 submitters: Uncertain significance (2). Last evaluated 2024-08-06.

Conditions:
Inborn genetic diseases. Identifiers: MedGen C0950123, MeSH D030342.
Dyskeratosis congenita, autosomal dominant 6 (DKCA6). Identifiers: Orphanet 3322, MedGen C4225284, MONDO:0014690, OMIM 616553.

Allele frequency attached by ClinVar (database versions not stated): gnomAD exomes below 0.00001.

Submissions (2):

Labcorp Genetics (formerly Invitae), Labcorp
Classification: Uncertain significance for Dyskeratosis congenita, autosomal dominant 6. Last evaluated: 2024-08-06. Review status: criteria provided, single submitter. Criteria: Invitae Variant Classification Sherloc (09022015). Collection method: clinical testing. Allele origin: germline.
Comment: This sequence change replaces valine, which is neutral and non-polar, with isoleucine, which is neutral and non-polar, at codon 230 of the ACD protein (p.Val230Ile). This variant is present in population databases (no rsID available, gnomAD 0.0009%). This variant has not been reported in the literature in individuals affected with ACD-related conditions. ClinVar contains an entry for this variant (Variation ID: 1755992). Advanced modeling of protein sequence and biophysical properties (such as structural, functional, and spatial information, amino acid conservation, physicochemical variation, residue mobility, and thermodynamic stability) has been performed at Invitae for this missense variant, however the output from this modeling did not meet the statistical confidence thresholds required to predict the impact of this variant on ACD protein function. In summary, the available evidence is currently insufficient to determine the role of this variant in disease. Therefore, it has been classified as a Variant of Uncertain Significance.

Ambry Genetics
Classification: Uncertain significance for Inborn genetic diseases. Last evaluated: 2022-09-28. Review status: criteria provided, single submitter. Criteria: Ambry Variant Classification Scheme 2023. Collection method: clinical testing. Allele origin: germline.
Comment: The p.V230I variant (also known as c.688G>A), located in coding exon 5 of the ACD gene, results from a G to A substitution at nucleotide position 688. The valine at codon 230 is replaced by isoleucine, an amino acid with highly similar properties. This amino acid position is conserved. In addition, this alteration is predicted to be tolerated by in silico analysis. Since supporting evidence is limited at this time, the clinical significance of this alteration remains unclear.